The following is an entry in ClinVar:

ClinVar aggregate classification (germline): Uncertain significance (1 of 4 stars; one submission).

Allele frequency attached by ClinVar (database versions not stated): gnomAD exomes below 0.00001 and 0.00001.
gnomAD v4.1: 4 of 1,551,558 alleles (0.00026%); highest among the groups gnomAD compares: Non-Finnish European, 0.00035%; no homozygotes.

Submission:

Labcorp Genetics (formerly Invitae), Labcorp
Classification: Uncertain significance. Last evaluated: 2022-09-27. Review status: criteria provided, single submitter. Criteria: Invitae Variant Classification Sherloc (09022015). Collection method: clinical testing. Allele origin: germline.
Comment: In summary, the available evidence is currently insufficient to determine the role of this variant in disease. Therefore, it has been classified as a Variant of Uncertain Significance. Algorithms developed to predict the effect of missense changes on protein structure and function are either unavailable or do not agree on the potential impact of this missense change (SIFT: "Tolerated"; PolyPhen-2: "Probably Damaging"; Align-GVGD: "Class C0"). ClinVar contains an entry for this variant (Variation ID: 1680496). This variant has not been reported in the literature in individuals affected with FAM65B-related conditions. This variant is present in population databases (no rsID available, gnomAD 0.002%). This sequence change replaces serine, which is neutral and polar, with leucine, which is neutral and non-polar, at codon 690 of the FAM65B protein (p.Ser690Leu).

NM_001286445.3(RIPOR2):c.2006C>T (p.Ser669Leu)

Gene: RIPOR2 (RHO family interacting cell polarization regulator 2; minus strand). Cytogenetic location: 6p22.3.
Variant type: single nucleotide variant.
Coding change: c.2006C>T on transcript NM_001286445.3 (MANE Select); coding-DNA position 2006, C replaced by T.
Protein change: p.Ser669Leu; replaces serine 669 with leucine.
Molecular consequence: missense variant.
Genome position (GRCh38, 1-based): chr6:24,839,124, G>A on the plus strand (C>T on the coding strand, the complement: RIPOR2 is on the minus strand). VCF-style: chr6-24839124-G-A. GRCh37 (hg19) VCF-style: chr6-24839352-G-A.
Other names: c.1919C>T, p.Ser640Leu (NM_001346031.2, NM_001346032.2); c.2069C>T, p.Ser690Leu (NM_014722.5); short protein forms S640L, S669L, S690L.
Identifiers: ClinVar variation 1680496 (VCV001680496.6), dbSNP rs1322142992, ClinGen allele CA362992849.